The following is an entry in ClinVar:

ClinVar aggregate classification (germline): Conflicting classifications of pathogenicity. Review status: criteria provided, conflicting classifications (1 of 4 stars). 4 submissions from 4 submitters: Uncertain significance (1); Likely benign (3). Last evaluated 2025-12-23.

Conditions:
Ehlers-Danlos syndrome, type 4 (EDSVASC). Also called: Ehlers-Danlos syndrome vascular type; Ehlers Danlos syndrome, ecchymotic type; Ehlers Danlos syndrome, arterial type; Ehlers Danlos syndrome, Sack-Barabas type; Ehlers-Danlos Syndrome Type IV. Identifiers: Orphanet 286, MedGen C0268338, MONDO:0017314, OMIM 130050.
Familial thoracic aortic aneurysm and aortic dissection (TAAD). Also called: Thoracic aortic aneurysms and dissections. Identifiers: Orphanet 91387, MedGen C4707243, MONDO:0019625.

Submissions (4):

Labcorp Genetics (formerly Invitae), Labcorp
Classification: Likely benign for Ehlers-Danlos syndrome, type 4. Last evaluated: 2025-12-23. Review status: criteria provided, single submitter. Criteria: Invitae Variant Classification Sherloc (09022015). Collection method: clinical testing. Allele origin: germline.

Blueprint Genetics
Classification: Likely benign. Last evaluated: 2024-10-09. Review status: criteria provided, single submitter. Criteria: ACMG Guidelines, 2015. Collection method: clinical testing. Allele origin: germline.

Women's Health and Genetics/Laboratory Corporation of America, LabCorp
Classification: Uncertain significance. Last evaluated: 2018-12-11. Review status: criteria provided, single submitter. Criteria: LabCorp Variant Classification Summary - May 2015. Collection method: clinical testing. Allele origin: germline.
Comment: Variant summary: COL3A1 c.1509+7_1509+21del15 is a 15 nucleotides deletion located close to a canonical splice site and therefore could affect mRNA splicing, leading to a significantly altered protein sequence. 5/5 computational tools predict no significant impact on normal splicing. However, these predictions have yet to be confirmed by functional studies. The variant allele was found at a frequency of 3.3e-05 in 246092 control chromosomes (gnomAD). The available data on variant occurrences in the general population are insufficient to allow any conclusion about variant significance. To our knowledge, no occurrence of c.1509+7_1509+21del15 in individuals affected with Aortopathy and no experimental evidence demonstrating its impact on protein function have been reported. A ClinVar submission from a clinical diagnostic laboratory (evaluation after 2014) cites the variant as likely benign. Based on the evidence outlined above, the variant was classified as uncertain significance.

Color Diagnostics, LLC DBA Color Health
Classification: Likely benign for Familial thoracic aortic aneurysm and aortic dissection. Last evaluated: 2018-12-01. Review status: criteria provided, single submitter. Criteria: ACMG Guidelines, 2015. Collection method: clinical testing. Allele origin: germline.

NM_000090.4(COL3A1):c.1509+7_1509+21del

Gene: COL3A1 (collagen type III alpha 1 chain; plus strand). Cytogenetic location: 2q32.2.
Variant type: Deletion.
Coding change: c.1509+7_1509+21del on transcript NM_000090.4 (MANE Select); bases 7 to 21 of the intron after coding-DNA position 1509, 15 bases deleted (AACTTTAGTTTCTAT).
Molecular consequence: intron variant.
Genome position (GRCh38, 1-based): chr2:188,995,106-188,995,120, AACTTTAGTTTCTAT deleted; deleting any 15 consecutive bases within chr2:188,995,104-188,995,120 gives the same sequence; the c. name uses the placement nearest the transcript's 3' end. VCF-style (leftmost placement, unchanged base first): chr2-188995103-GATAACTTTAGTTTCT-G. GRCh37 (hg19) VCF-style: chr2-189859829-GATAACTTTAGTTTCT-G.
Other names: c.1509+7_1509+21delAACTTTAGTTTCTAT (NM_000090.3).
Identifiers: ClinVar variation 529336 (VCV000529336.15), dbSNP rs781662866, ClinGen allele CA074410.